The following is an entry in ClinVar:

NM_001379500.1(COL18A1):c.107-11368G>A

Gene: COL18A1 (collagen type XVIII alpha 1 chain; plus strand). Cytogenetic location: 21q22.3.
Variant type: single nucleotide variant.
Coding change: c.107-11368G>A on transcript NM_001379500.1 (MANE Select); 11368 bases into the intron before coding-DNA position 107, G replaced by A.
Molecular consequence: intron variant. On other transcripts: synonymous variant (1).
Genome position (GRCh38, 1-based): chr21:45,456,874, G>A. VCF-style: chr21-45456874-G-A. GRCh37 (hg19) VCF-style: chr21-46876788-G-A.
Other names: c.1344G>A, p.Pro448= (NM_130444.3); c.646+698G>A (NM_030582.4).
Identifiers: ClinVar variation 3049339 (VCV003049339.5), dbSNP rs75820935, ClinGen allele CA10065667.

ClinVar aggregate classification (germline): Likely benign. Review status: criteria provided, multiple submitters, no conflicts (2 of 4 stars). 3 submissions from 3 submitters: Likely benign (2). 1 of the submissions does not count toward it. Last evaluated 2026-06-01.

Conditions:
COL18A1-related disorder. Also called: COL18A1-related disorders; COL18A1-related condition.

Allele frequency attached by ClinVar (database versions not stated): 1000 Genomes Project 30x 0.00078; 1000 Genomes Project 0.00080; ExAC 0.00123; gnomAD 0.00222; TOPMed 0.00229.
gnomAD v4.1: 637 of 1,444,230 alleles (0.044%); highest among the groups gnomAD compares: African/African-American, 0.78%; 1 homozygote.

Submissions (3):

CeGaT Center for Human Genetics Tuebingen
Classification: Likely benign. Last evaluated: 2026-06-01. Review status: criteria provided, single submitter. Criteria: CeGaT Center For Human Genetics Tuebingen Variant Classification Criteria Version 2. Collection method: clinical testing. Allele origin: germline. Affected: yes. Observed: 1 variant allele.
Comment: COL18A1: BP4, BP7

Blueprint Genetics
Classification: Likely benign. Last evaluated: 2024-10-21. Review status: criteria provided, single submitter. Criteria: ACMG Guidelines, 2015. Collection method: clinical testing. Allele origin: germline.

PreventionGenetics, part of Exact Sciences
Classification: Likely benign for COL18A1-related condition. Last evaluated: 2021-01-13. Review status: no assertion criteria provided. Collection method: clinical testing. Allele origin: germline. Not counted in ClinVar's aggregate classification.
Comment: This variant is classified as likely benign based on ACMG/AMP sequence variant interpretation guidelines (Richards et al. 2015 PMID: 25741868, with internal and published modifications).